The following is an entry in ClinVar:

NM_170707.4(LMNA):c.1964C>G (p.Thr655Ser)

Gene: LMNA (lamin A/C; plus strand). Cytogenetic location: 1q22.
Variant type: single nucleotide variant.
Coding change: c.1964C>G on transcript NM_170707.4 (MANE Select); coding-DNA position 1964, C replaced by G.
Protein change: p.Thr655Ser; replaces threonine 655 with serine.
Molecular consequence: missense variant. On other transcripts: intron variant (1).
Genome position (GRCh38, 1-based): chr1:156,138,753, C>G. VCF-style: chr1-156138753-C-G. GRCh37 (hg19) VCF-style: chr1-156108544-C-G.
Other names: c.1406C>G, p.Thr469Ser (NM_001406993.1, NM_001406995.1, NM_001406996.1 and 2 more transcripts); c.1340C>G, p.Thr447Ser (NM_001406994.1, NM_001406999.1, NM_001407000.1 and 1 more transcripts); c.1628C>G, p.Thr543Ser (NM_001257374.3, NM_001406989.1); c.1964C>G, p.Thr655Ser (NM_001406983.1, NM_001406985.1, NM_001406991.1); c.1721C>G, p.Thr574Ser (NM_001406986.1, NM_001406987.1); c.1667C>G, p.Thr556Ser (NM_001406988.1); c.1874C>G, p.Thr625Ser (NM_170708.4); c.1818+146C>G (NM_001282626.2); short protein forms T447S, T469S, T543S, T556S, T574S, T625S, T655S.
Identifiers: ClinVar variation 1721036 (VCV001721036.5), dbSNP rs2528031636, ClinGen allele CA342828289.
Genomic context (GRCh38, chr1:156,138,753, plus strand): 5'-GCAGCTTCGGGGACAATCTGGTCACCCGCTCCTACCTCCTGGGCAACTCCAGCCCCCGAA[C>G]CCAGGTGAGTTGTCTCTGCTTTGTCTCCAAATCCTGCAGGCGGGTCCCTGGTCATCGAGG-3'
Protein context (NP_733821.1, residues 645-664): SYLLGNSSPR[Thr655Ser]QSPQNCSIM

ClinVar aggregate classification (germline): Uncertain significance (1 of 4 stars; one submission).

Conditions:
Charcot-Marie-Tooth disease type 2. Also called: Charcot-Marie-Tooth type 2. Identifiers: Orphanet 64746, MedGen C0270914, MONDO:0018993.

Submission:

Labcorp Genetics (formerly Invitae), Labcorp
Classification: Uncertain significance for Charcot-Marie-Tooth disease type 2. Last evaluated: 2023-08-17. Review status: criteria provided, single submitter. Criteria: Invitae Variant Classification Sherloc (09022015). Collection method: clinical testing. Allele origin: germline.
Comment: This sequence change replaces threonine, which is neutral and polar, with serine, which is neutral and polar, at codon 655 of the LMNA protein (p.Thr655Ser). This variant has not been reported in the literature in individuals affected with LMNA-related conditions. This variant is not present in population databases (gnomAD no frequency). In summary, the available evidence is currently insufficient to determine the role of this variant in disease. Therefore, it has been classified as a Variant of Uncertain Significance. Advanced modeling of protein sequence and biophysical properties (such as structural, functional, and spatial information, amino acid conservation, physicochemical variation, residue mobility, and thermodynamic stability) has been performed at Invitae for this missense variant, however the output from this modeling did not meet the statistical confidence thresholds required to predict the impact of this variant on LMNA protein function. ClinVar contains an entry for this variant (Variation ID: 1721036).